The following is an entry in ClinVar:

NM_182961.4(SYNE1):c.10969G>C (p.Glu3657Gln)

Gene: SYNE1 (spectrin repeat containing nuclear envelope protein 1; minus strand). Cytogenetic location: 6q25.2.
Variant type: single nucleotide variant.
Coding change: c.10969G>C on transcript NM_182961.4 (MANE Select); coding-DNA position 10969, G replaced by C.
Protein change: p.Glu3657Gln; replaces glutamic acid 3657 with glutamine.
Molecular consequence: missense variant.
Genome position (GRCh38, 1-based): chr6:152,353,702, C>G on the plus strand (G>C on the coding strand, the complement: SYNE1 is on the minus strand). VCF-style: chr6-152353702-C-G. GRCh37 (hg19) VCF-style: chr6-152674837-C-G.
Other names: c.10924G>C, p.Glu3642Gln (NM_033071.5); short protein forms E3642Q, E3657Q.
Identifiers: ClinVar variation 1943679 (VCV001943679.5), dbSNP rs2096782032, ClinGen allele CA366123534.

ClinVar aggregate classification (germline): Uncertain significance (1 of 4 stars; one submission).

Conditions:
Emery-Dreifuss muscular dystrophy 4, autosomal dominant (EDMD4). Also called: EMERY-DREIFUSS MUSCULAR DYSTROPHY 4 WITH VARIABLE FEATURES. Identifiers: Orphanet 261, MedGen C2751807, MONDO:0013071, OMIM 612998.
Autosomal recessive ataxia, Beauce type. Also called: SYNE1 Deficiency; Spinocerebellar ataxia, autosomal recessive 8; ATAXIA, RECESSIVE, OF BEAUCE; SYNE1-Related Autosomal Recessive Cerebellar Ataxia. Identifiers: Orphanet 88644, MedGen C1853116, MONDO:0012549, OMIM 610743.

Allele frequency attached by ClinVar (database versions not stated): TOPMed 0.00001.

Submission:

Labcorp Genetics (formerly Invitae), Labcorp
Classification: Uncertain significance for Emery-Dreifuss muscular dystrophy 4, autosomal dominant; Autosomal recessive ataxia, Beauce type. Last evaluated: 2022-02-03. Review status: criteria provided, single submitter. Criteria: Invitae Variant Classification Sherloc (09022015). Collection method: clinical testing. Allele origin: germline.
Comment: This variant has not been reported in the literature in individuals affected with SYNE1-related conditions. In summary, the available evidence is currently insufficient to determine the role of this variant in disease. Therefore, it has been classified as a Variant of Uncertain Significance. Algorithms developed to predict the effect of missense changes on protein structure and function (SIFT, PolyPhen-2, Align-GVGD) all suggest that this variant is likely to be disruptive. This variant is not present in population databases (gnomAD no frequency). This sequence change replaces glutamic acid, which is acidic and polar, with glutamine, which is neutral and polar, at codon 3642 of the SYNE1 protein (p.Glu3642Gln).